The following is an entry in ClinVar:

NM_001353788.2(APBA2):c.219C>T (p.Ser73=)

Gene: APBA2 (amyloid beta precursor protein binding family A member 2; plus strand). Cytogenetic location: 15q13.1.
Variant type: single nucleotide variant.
Coding change: c.219C>T on transcript NM_001353788.2 (MANE Select); coding-DNA position 219, C replaced by T.
Protein change: p.Ser73=; no amino-acid change (serine 73 retained).
Molecular consequence: synonymous variant.
Genome position (GRCh38, 1-based): chr15:29,054,103, C>T. VCF-style: chr15-29054103-C-T. GRCh37 (hg19) VCF-style: chr15-29346306-C-T.
Other names: c.219C>T, p.Ser73= (NM_001130414.1, NM_001353789.2, NM_001353790.2 and 7 more transcripts).
Identifiers: ClinVar variation 3051142 (VCV003051142.2), dbSNP rs151295064, ClinGen allele CA7445054.

ClinVar aggregate classification (germline): Likely benign (0 of 4 stars; one submission).

Conditions:
APBA2-related disorder. Also called: APBA2-related condition.

Allele frequency attached by ClinVar (database versions not stated): ESP Exome Variant Server 0.00054; gnomAD exomes 0.00081; ExAC 0.00025; gnomAD 0.00032; TOPMed 0.00038.
gnomAD v4.1: 1,207 of 1,614,054 alleles (0.075%); highest among the groups gnomAD compares: Non-Finnish European, 0.099%; no homozygotes.

Submission:

PreventionGenetics, part of Exact Sciences
Classification: Likely benign for APBA2-related condition. Last evaluated: 2019-04-25. Review status: no assertion criteria provided. Collection method: clinical testing. Allele origin: germline.
Comment: This variant is classified as likely benign based on ACMG/AMP sequence variant interpretation guidelines (Richards et al. 2015 PMID: 25741868, with internal and published modifications).